The following is an entry in ClinVar:

NM_000302.4(PLOD1):c.712G>T (p.Val238Phe)

Gene: PLOD1 (procollagen-lysine,2-oxoglutarate 5-dioxygenase 1; plus strand). Cytogenetic location: 1p36.22.
Variant type: single nucleotide variant.
Coding change: c.712G>T on transcript NM_000302.4 (MANE Select); coding-DNA position 712, G replaced by T.
Protein change: p.Val238Phe; replaces valine 238 with phenylalanine.
Molecular consequence: missense variant.
Genome position (GRCh38, 1-based): chr1:11,956,985, G>T. VCF-style: chr1-11956985-G-T. GRCh37 (hg19) VCF-style: chr1-12017042-G-T.
Other names: c.853G>T, p.Val285Phe (NM_001316320.2); short protein forms V238F, V285F.
Identifiers: ClinVar variation 529346 (VCV000529346.8), dbSNP rs777914756, ClinGen allele CA598057.

ClinVar aggregate classification (germline): Uncertain significance. Review status: criteria provided, multiple submitters, no conflicts (2 of 4 stars). 2 submissions from 2 submitters: Uncertain significance (2). Last evaluated 2025-12-16.

Conditions:
Ehlers-Danlos syndrome, kyphoscoliotic type 1 (EDSKSCL1). Also called: EHLERS-DANLOS SYNDROME, TYPE VIA; EHLERS-DANLOS SYNDROME, OCULAR-SCOLIOTIC TYPE; PLOD1-Related Kyphoscoliotic Ehlers-Danlos Syndrome; Ehlers-Danlos syndrome, hydroxylysine-deficient. Identifiers: Orphanet 1900, MedGen C0268342, MONDO:0016002, OMIM 225400. Disease mechanism: loss of function.
Familial thoracic aortic aneurysm and aortic dissection (TAAD). Also called: Thoracic aortic aneurysms and dissections. Identifiers: Orphanet 91387, MedGen C4707243, MONDO:0019625.

Allele frequency attached by ClinVar (database versions not stated): ExAC 0.00001; TOPMed 0.00001; gnomAD exomes 0.00002; gnomAD 0.00003.
gnomAD v4.1: 10 of 1,613,518 alleles (0.00062%); highest among the groups gnomAD compares: Admixed American, 0.0083%; no homozygotes.

Submissions (2):

Ambry Genetics
Classification: Uncertain significance for Familial thoracic aortic aneurysm and aortic dissection. Last evaluated: 2025-12-16. Review status: criteria provided, single submitter. Criteria: Ambry Variant Classification Scheme 2023. Collection method: clinical testing. Allele origin: germline.

Labcorp Genetics (formerly Invitae), Labcorp
Classification: Uncertain significance for Ehlers-Danlos syndrome, kyphoscoliotic type 1. Last evaluated: 2021-08-28. Review status: criteria provided, single submitter. Criteria: Invitae Variant Classification Sherloc (09022015). Collection method: clinical testing. Allele origin: germline.
Comment: This sequence change replaces valine with phenylalanine at codon 238 of the PLOD1 protein (p.Val238Phe). The valine residue is highly conserved and there is a small physicochemical difference between valine and phenylalanine. This variant is present in population databases (rs777914756, ExAC 0.009%). This variant has not been reported in the literature in individuals affected with PLOD1-related conditions. Algorithms developed to predict the effect of missense changes on protein structure and function are either unavailable or do not agree on the potential impact of this missense change (SIFT: "Deleterious"; PolyPhen-2: "Probably Damaging"; Align-GVGD: "Class C0"). In summary, the available evidence is currently insufficient to determine the role of this variant in disease. Therefore, it has been classified as a Variant of Uncertain Significance.